The following is an entry in ClinVar:

NM_000548.5(TSC2):c.455A>T (p.His152Leu)

Gene: TSC2 (TSC complex subunit 2; plus strand). Cytogenetic location: 16p13.3.
Variant type: single nucleotide variant.
Coding change: c.455A>T on transcript NM_000548.5 (MANE Select); coding-DNA position 455, A replaced by T.
Protein change: p.His152Leu; replaces histidine 152 with leucine.
Molecular consequence: missense variant. On other transcripts: 5 prime UTR variant (13), non-coding transcript variant (5), intron variant (6).
Genome position (GRCh38, 1-based): chr16:2,054,414, A>T. VCF-style: chr16-2054414-A-T. GRCh37 (hg19) VCF-style: chr16-2104415-A-T.
Other names: c.455A>T, p.His152Leu (NM_001077183.3, NM_001114382.3, NM_001363528.2 and 8 more transcripts); c.344A>T, p.His115Leu (NM_001318827.2, NM_001406670.1, NM_001406678.1); c.308A>T, p.His103Leu (NM_001318829.2, NM_001406675.1, NM_001406676.1 and 1 more transcripts); c.488A>T, p.His163Leu (NM_001318832.2); c.545A>T, p.His182Leu (NM_001406667.1, NM_001406668.1); c.398A>T, p.His133Leu (NM_001406677.1); c.-362A>T (NM_001406680.1, NM_001406683.1, NM_001406687.1); c.10A>T, p.Thr4Ser (NM_001406681.1); and 6 more; short protein forms H133L, H103L, H115L, T4S, H152L, H163L, H182L.
Identifiers: ClinVar variation 4557209 (VCV004557209.1).
Genomic context (GRCh38, chr16:2,054,414, plus strand): 5'-CCAACGAAGACCTTCACGAAAGGCTGGAGGTTTTCAAGGCCCTCACAGACAATGGGAGAC[A>T]CATCACCTACTTGGAGGAAGAGCTGGGTGGGTGCCACCTTGGGTTGGAGGTTTCTCTGGC-3'
Protein context (NP_000539.2, residues 142-162): VFKALTDNGR[His152Leu]ITYLEEELAD

ClinVar aggregate classification (germline): Uncertain significance (1 of 4 stars; one submission).

Conditions:
Hereditary cancer-predisposing syndrome. Also called: Tumor predisposition; Hereditary Cancer Syndrome; Hereditary neoplastic syndrome; Neoplastic Syndromes, Hereditary. Identifiers: Orphanet 140162, MedGen C0027672, MeSH D009386, MONDO:0015356.

Submission:

Ambry Genetics
Classification: Uncertain significance for Hereditary cancer-predisposing syndrome. Last evaluated: 2025-11-03. Review status: criteria provided, single submitter. Criteria: Ambry Variant Classification Scheme 2023. Collection method: clinical testing. Allele origin: germline.
Comment: The p.H152L variant (also known as c.455A>T), located in coding exon 4 of the TSC2 gene, results from an A to T substitution at nucleotide position 455. The histidine at codon 152 is replaced by leucine, an amino acid with similar properties. This amino acid position is conserved. In addition, the in silico prediction for this alteration is inconclusive. Based on the available evidence, the clinical significance of this variant remains unclear.